The following is an entry in ClinVar:

NM_001267550.2(TTN):c.73936A>T (p.Ser24646Cys)

Genes: TTN (titin; minus strand), TTN-AS1 (TTN antisense RNA 1; plus strand). Cytogenetic location: 2q31.2.
Variant type: single nucleotide variant.
Coding change: c.73936A>T on transcript NM_001267550.2 (MANE Select); coding-DNA position 73936, A replaced by T.
Protein change: p.Ser24646Cys; replaces serine 24646 with cysteine.
Molecular consequence: missense variant.
Genome position (GRCh38, 1-based): chr2:178,572,196, T>A on the plus strand (A>T on the coding strand, the complement: TTN is on the minus strand). VCF-style: chr2-178572196-T-A. GRCh37 (hg19) VCF-style: chr2-179436923-T-A.
Other names: c.69013A>T, p.Ser23005Cys (NM_001256850.1); c.46741A>T, p.Ser15581Cys (NM_003319.4); c.66232A>T, p.Ser22078Cys (NM_133378.4); c.47116A>T, p.Ser15706Cys (NM_133432.3); c.47317A>T, p.Ser15773Cys (NM_133437.4); short protein forms S15706C, S23005C, S15773C, S24646C, S15581C, S22078C.
Identifiers: ClinVar variation 4981555 (VCV004981555.1).
Genomic context (GRCh38, chr2:178,572,196, plus strand): 5'-ACGTGGCCCATTTGTCACTGCCTTTGGTCTGCATCTCCACAATGTAGCCTAGAATTCGGC[T>A]GCCTCCATCATGCTCTGGTTTCTCCCAAGAGAGTGACACACTATTTCTTGTGACATCCAT-3'
Protein context (NP_001254479.2, residues 24636-24656): SWEKPEHDGG[Ser24646Cys]RILGYIVEMQ

ClinVar aggregate classification (germline): Uncertain significance (1 of 4 stars; one submission).

Conditions:
TTN-related disorder. Also called: TTN-related disorders; TTN-related condition; TTN-related disease.

gnomAD v4.1: 19 of 1,613,362 alleles (0.0012%); highest among the groups gnomAD compares: Admixed American, 0.03%; no homozygotes.

Submission:

PreventionGenetics, part of Exact Sciences
Classification: Uncertain significance for TTN-related condition. Last evaluated: 2026-06-23. Review status: criteria provided, single submitter. Criteria: ACMG Guidelines, 2015. Collection method: clinical testing. Allele origin: germline.
Comment: The TTN c.73936A>T variant is predicted to result in the amino acid substitution p.Ser24646Cys. To our knowledge, this variant has not been reported in the literature. This variant is reported in 0.023% of alleles in individuals of Latino descent in gnomAD. At this time, the clinical significance of this variant is uncertain due to the absence of conclusive functional and genetic evidence.